The following is an entry in ClinVar:

ClinVar aggregate classification (germline): Uncertain significance (1 of 4 stars; one submission).

gnomAD v4.1: 4 of 1,613,760 alleles (0.00025%); highest among the groups gnomAD compares: Admixed American, 0.005%; no homozygotes.

Submission:

Labcorp Genetics (formerly Invitae), Labcorp
Classification: Uncertain significance. Last evaluated: 2026-01-11. Review status: criteria provided, single submitter. Criteria: Invitae Variant Classification Sherloc (09022015). Collection method: clinical testing. Allele origin: germline.
Comment: This sequence change replaces isoleucine, which is neutral and non-polar, with methionine, which is neutral and non-polar, at codon 256 of the APOA4 protein (p.Ile256Met). This variant is not present in population databases (gnomAD no frequency). This variant has not been reported in the literature in individuals affected with APOA4-related conditions. Invitae Evidence Modeling of protein sequence and biophysical properties (such as structural, functional, and spatial information, amino acid conservation, physicochemical variation, residue mobility, and thermodynamic stability) indicates that this missense variant is not expected to disrupt APOA4 protein function with a negative predictive value of 80%. In summary, the available evidence is currently insufficient to determine the role of this variant in disease. Therefore, it has been classified as a Variant of Uncertain Significance.

NM_000482.4(APOA4):c.768C>G (p.Ile256Met)

Gene: APOA4 (apolipoprotein A4; minus strand). Cytogenetic location: 11q23.3.
Variant type: single nucleotide variant.
Coding change: c.768C>G on transcript NM_000482.4 (MANE Select); coding-DNA position 768, C replaced by G.
Protein change: p.Ile256Met; replaces isoleucine 256 with methionine.
Molecular consequence: missense variant.
Genome position (GRCh38, 1-based): chr11:116,821,290, G>C on the plus strand (C>G on the coding strand, the complement: APOA4 is on the minus strand). VCF-style: chr11-116821290-G-C. GRCh37 (hg19) VCF-style: chr11-116692006-G-C.
Other names: short protein forms I256M.
Identifiers: ClinVar variation 4701848 (VCV004701848.1).